The following is an entry in ClinVar:

NM_000059.4(BRCA2):c.7558C>G (p.Arg2520Gly)

Gene: BRCA2 (BRCA2 DNA repair associated; plus strand). Cytogenetic location: 13q13.1.
Variant type: single nucleotide variant.
Coding change: c.7558C>G on transcript NM_000059.4 (MANE Select); coding-DNA position 7558, C replaced by G.
Protein change: p.Arg2520Gly; replaces arginine 2520 with glycine.
Molecular consequence: missense variant.
Genome position (GRCh38, 1-based): chr13:32,356,550, C>G. VCF-style: chr13-32356550-C-G. GRCh37 (hg19) VCF-style: chr13-32930687-C-G.
Other names: short protein forms R2520G.
Identifiers: ClinVar variation 801122 (VCV000801122.18), dbSNP rs80358981, ClinGen allele CA387743717.

ClinVar aggregate classification (germline): Uncertain significance. Review status: criteria provided, multiple submitters, no conflicts (2 of 4 stars). 3 submissions from 3 submitters: Uncertain significance (3). Last evaluated 2023-06-14.

Conditions:
Hereditary breast ovarian cancer syndrome. Also called: BRCA1- and BRCA2-Associated Hereditary Breast and Ovarian Cancer; Hereditary breast and ovarian cancer syndrome; Hereditary breast and/or ovarian cancer syndrome; Hereditary breast and ovarian cancer; Hereditary breast and ovarian cancer syndrome (HBOC); Breast and ovarian cancer. Identifiers: Orphanet 145, MedGen C0677776, MeSH D061325, MONDO:0003582. Disease mechanism: loss of function.
Hereditary cancer-predisposing syndrome. Also called: Tumor predisposition; Neoplastic Syndromes, Hereditary; Hereditary Cancer Syndrome; Hereditary neoplastic syndrome. Identifiers: Orphanet 140162, MedGen C0027672, MeSH D009386, MONDO:0015356.

Submissions (3):

Labcorp Genetics (formerly Invitae), Labcorp
Classification: Uncertain significance for Hereditary breast ovarian cancer syndrome. Last evaluated: 2023-06-14. Review status: criteria provided, single submitter. Criteria: Invitae Variant Classification Sherloc (09022015). Collection method: clinical testing. Allele origin: germline.
Comment: In summary, the available evidence is currently insufficient to determine the role of this variant in disease. Therefore, it has been classified as a Variant of Uncertain Significance. Advanced modeling of protein sequence and biophysical properties (such as structural, functional, and spatial information, amino acid conservation, physicochemical variation, residue mobility, and thermodynamic stability) performed at Invitae indicates that this missense variant is not expected to disrupt BRCA2 protein function. ClinVar contains an entry for this variant (Variation ID: 801122). This variant has not been reported in the literature in individuals affected with BRCA2-related conditions. This variant is not present in population databases (gnomAD no frequency). This sequence change replaces arginine, which is basic and polar, with glycine, which is neutral and non-polar, at codon 2520 of the BRCA2 protein (p.Arg2520Gly).

Ambry Genetics
Classification: Uncertain significance for Hereditary cancer-predisposing syndrome. Last evaluated: 2022-06-24. Review status: criteria provided, single submitter. Criteria: Ambry Variant Classification Scheme 2023. Collection method: clinical testing. Allele origin: germline.
Comment: The p.R2520G variant (also known as c.7558C>G), located in coding exon 14 of the BRCA2 gene, results from a C to G substitution at nucleotide position 7558. The arginine at codon 2520 is replaced by glycine, an amino acid with dissimilar properties. This amino acid position is highly conserved in available vertebrate species. In addition, the in silico prediction for this alteration is inconclusive. Since supporting evidence is limited at this time, the clinical significance of this alteration remains unclear.

Quest Diagnostics Nichols Institute San Juan Capistrano
Classification: Uncertain significance. Last evaluated: 2018-12-27. Review status: criteria provided, single submitter. Criteria: Quest Diagnostics criteria. Collection method: clinical testing. Allele origin: germline.